The following is an entry in ClinVar:

NM_001378452.1(ITPR1):c.6117G>A (p.Ala2039=)

Gene: ITPR1 (inositol 1,4,5-trisphosphate receptor type 1; plus strand). Cytogenetic location: 3p26.1.
Variant type: single nucleotide variant.
Coding change: c.6117G>A on transcript NM_001378452.1 (MANE Select); coding-DNA position 6117, G replaced by A.
Protein change: p.Ala2039=; no amino-acid change (alanine 2039 retained).
Molecular consequence: synonymous variant.
Genome position (GRCh38, 1-based): chr3:4,775,379, G>A. VCF-style: chr3-4775379-G-A. GRCh37 (hg19) VCF-style: chr3-4817063-G-A.
Other names: c.5973G>A, p.Ala1991= (NM_001099952.4); c.6072G>A, p.Ala2024= (NM_001168272.2); c.5928G>A, p.Ala1976= (NM_002222.7).
Identifiers: ClinVar variation 447594 (VCV000447594.22), dbSNP rs139528715, ClinGen allele CA2232510.

ClinVar aggregate classification (germline): Benign/Likely benign. Review status: criteria provided, multiple submitters, no conflicts (2 of 4 stars). 6 submissions from 6 submitters: Benign (3); Likely benign (3). Last evaluated 2026-01-17.

Conditions:
Autosomal dominant cerebellar ataxia. Also called: Spinocerebellar Ataxia, Dominant. Identifiers: Orphanet 99, MedGen C4087347, MONDO:0020380.

Allele frequency attached by ClinVar (database versions not stated): gnomAD exomes 0.00028 and 0.00063; ExAC 0.00067; 1000 Genomes Project 0.00200; ESP Exome Variant Server 0.00228; 1000 Genomes Project 30x 0.00234; gnomAD 0.00306; TOPMed 0.00299.
gnomAD v4.1: 839 of 1,613,670 alleles (0.052%); highest among the groups gnomAD compares: African/African-American, 0.87%; 8 homozygotes.

Submissions (6):

Labcorp Genetics (formerly Invitae), Labcorp
Classification: Benign. Last evaluated: 2026-01-17. Review status: criteria provided, single submitter. Criteria: Invitae Variant Classification Sherloc (09022015). Collection method: clinical testing. Allele origin: germline.

CeGaT Center for Human Genetics Tuebingen
Classification: Likely benign. Last evaluated: 2025-11-01. Review status: criteria provided, single submitter. Criteria: CeGaT Center For Human Genetics Tuebingen Variant Classification Criteria Version 2. Collection method: clinical testing. Allele origin: germline. Affected: yes. Observed: 1 variant allele.
Comment: ITPR1: BP4, BP7

Blueprint Genetics
Classification: Likely benign. Last evaluated: 2024-08-06. Review status: criteria provided, single submitter. Criteria: ACMG Guidelines, 2015. Collection method: clinical testing. Allele origin: germline.

GeneDx
Classification: Likely benign. Last evaluated: 2020-08-03. Review status: criteria provided, single submitter. Criteria: GeneDx Variant Classification Process June 2021. Collection method: clinical testing. Allele origin: germline. Affected: yes.

Illumina Laboratory Services, Illumina
Classification: Benign for Spinocerebellar Ataxia, Dominant. Last evaluated: 2018-01-12. Review status: criteria provided, single submitter. Criteria: ICSL Variant Classification Criteria 13 December 2019. Collection method: clinical testing. Allele origin: germline.
Comment: This variant was observed in the ICSL laboratory as part of a predisposition screen in an ostensibly healthy population. It had not been previously curated by ICSL or reported in the Human Gene Mutation Database (HGMD: prior to June 1st, 2018), and was therefore a candidate for classification through an automated scoring system. Utilizing variant allele frequency, disease prevalence and penetrance estimates, and inheritance mode, an automated score was calculated to assess if this variant is too frequent to cause the disease. Based on the score and internal cut-off values, a variant classified as benign is not then subjected to further curation. The score for this variant resulted in a classification of benign for this disease.

Athena Diagnostics
Classification: Benign. Last evaluated: 2016-12-14. Review status: criteria provided, single submitter. Criteria: Athena Diagnostics Criteria. Collection method: clinical testing. Allele origin: germline.